The following is an entry in ClinVar:

NM_021942.6(TRAPPC11):c.2892T>A (p.Cys964Ter)

Gene: TRAPPC11 (trafficking protein particle complex subunit 11; plus strand). Cytogenetic location: 4q35.1.
Variant type: single nucleotide variant.
Coding change: c.2892T>A on transcript NM_021942.6 (MANE Select); coding-DNA position 2892, T replaced by A.
Protein change: p.Cys964Ter; replaces cysteine 964 with a stop codon.
Molecular consequence: nonsense.
Genome position (GRCh38, 1-based): chr4:183,701,737, T>A. VCF-style: chr4-183701737-T-A. GRCh37 (hg19) VCF-style: chr4-184622890-T-A.
Other names: c.2892T>A, p.Cys964Ter (NM_199053.3); short protein forms C964*.
Identifiers: ClinVar variation 5006757 (VCV005006757.2).

ClinVar aggregate classification (germline): Likely pathogenic (1 of 4 stars; one submission).

Conditions:
Autosomal recessive limb-girdle muscular dystrophy type R18 (LGMDR18). Also called: Autosomal recessive limb-girdle muscular dystrophy type 2S; Limb-girdle muscular dystrophy, type 2S; MUSCULAR DYSTROPHY, LIMB-GIRDLE, AUTOSOMAL RECESSIVE 18. Identifiers: Orphanet 369840, MedGen C4517996, MONDO:0014144, OMIM 615356.

Submission:

Juno Genomics, Hangzhou Juno Genomics, Inc
Classification: Likely pathogenic for Autosomal recessive limb-girdle muscular dystrophy type R18. Review status: criteria provided, single submitter. Criteria: ACMG Guidelines, 2015. Collection method: clinical testing. Allele origin: germline.
Comment: Null variant in a gene where loss of function (LOF) is a known mechanism of disease.;Absent from controls (or at extremely low frequency if recessive) in Genome Aggregation Database.